The following is an entry in ClinVar:

NM_003477.3(PDHX):c.1432G>C (p.Val478Leu)

Gene: PDHX (pyruvate dehydrogenase complex component X; plus strand). Cytogenetic location: 11p13.
Variant type: single nucleotide variant.
Coding change: c.1432G>C on transcript NM_003477.3 (MANE Select); coding-DNA position 1432, G replaced by C.
Protein change: p.Val478Leu; replaces valine 478 with leucine.
Molecular consequence: missense variant.
Genome position (GRCh38, 1-based): chr11:34,995,098, G>C. VCF-style: chr11-34995098-G-C. GRCh37 (hg19) VCF-style: chr11-35016645-G-C.
Other names: c.1252G>C, p.Val418Leu (NM_001135024.2); c.751G>C, p.Val251Leu (NM_001166158.2); short protein forms V251L, V418L, V478L.
Identifiers: ClinVar variation 2627324 (VCV002627324.1), dbSNP rs1021125938, ClinGen allele CA380127138.

ClinVar aggregate classification (germline): Uncertain significance (1 of 4 stars; one submission).

Submission:

Women's Health and Genetics/Laboratory Corporation of America, LabCorp
Classification: Uncertain significance. Last evaluated: 2023-09-26. Review status: criteria provided, single submitter. Criteria: LabCorp Variant Classification Summary - May 2015. Collection method: clinical testing. Allele origin: germline.
Comment: Variant summary: PDHX c.1432G>C (p.Val478Leu) results in a conservative amino acid change located in the 2-oxoacid dehydrogenase acyltransferase, catalytic domain (IPR001078) of the encoded protein sequence. Three of five in-silico tools predict a damaging effect of the variant on protein function. The variant was absent in 251170 control chromosomes (gnomAD). The available data on variant occurrences in the general population are insufficient to allow any conclusion about variant significance. To our knowledge, no occurrence of c.1432G>C in individuals affected with Pyruvate Dehydrogenase E3-Binding Protein Deficiency and no experimental evidence demonstrating its impact on protein function have been reported. No submitters have cited clinical-significance assessments for this variant to ClinVar after 2014. Based on the evidence outlined above, the variant was classified as uncertain significance.